The following is an entry in ClinVar:

NM_022455.5(NSD1):c.4448G>A (p.Cys1483Tyr)

Gene: NSD1 (nuclear receptor binding SET domain protein 1; plus strand). Cytogenetic location: 5q35.3.
Variant type: single nucleotide variant.
Coding change: c.4448G>A on transcript NM_022455.5 (MANE Select); coding-DNA position 4448, G replaced by A.
Protein change: p.Cys1483Tyr; replaces cysteine 1483 with tyrosine.
Molecular consequence: missense variant.
Genome position (GRCh38, 1-based): chr5:177,246,747, G>A. VCF-style: chr5-177246747-G-A. GRCh37 (hg19) VCF-style: chr5-176673748-G-A.
Other names: c.3575G>A, p.Cys1192Tyr (NM_001365684.2, NM_001409306.1, NM_001409307.1 and 3 more transcripts); c.4448G>A, p.Cys1483Tyr (NM_001409301.1, NM_001409302.1, NM_001409303.1); c.4028G>A, p.Cys1343Tyr (NM_001409304.1); c.3695G>A, p.Cys1232Tyr (NM_001409305.1); short protein forms C1192Y, C1232Y, C1343Y, C1483Y.
Identifiers: ClinVar variation 4749021 (VCV004749021.1).

ClinVar aggregate classification (germline): Uncertain significance (1 of 4 stars; one submission).

Submission:

Labcorp Genetics (formerly Invitae), Labcorp
Classification: Uncertain significance. Last evaluated: 2025-04-22. Review status: criteria provided, single submitter. Criteria: Invitae Variant Classification Sherloc (09022015). Collection method: clinical testing. Allele origin: germline.
Comment: This sequence change replaces cysteine, which is neutral and slightly polar, with tyrosine, which is neutral and polar, at codon 1483 of the NSD1 protein (p.Cys1483Tyr). This variant is not present in population databases (gnomAD no frequency). This variant has not been reported in the literature in individuals affected with NSD1-related conditions. Invitae Evidence Modeling of protein sequence and biophysical properties (such as structural, functional, and spatial information, amino acid conservation, physicochemical variation, residue mobility, and thermodynamic stability) indicates that this missense variant is not expected to disrupt NSD1 protein function with a negative predictive value of 95%. In summary, the available evidence is currently insufficient to determine the role of this variant in disease. Therefore, it has been classified as a Variant of Uncertain Significance.